The following is an entry in ClinVar:

ClinVar aggregate classification (germline): Pathogenic. Review status: criteria provided, multiple submitters, no conflicts (2 of 4 stars). 5 submissions from 5 submitters: Pathogenic (3). 2 of the submissions do not count toward it. Last evaluated 2025-06-09.

Conditions:
BEST1-related disorder. Also called: BEST1-related condition; BEST1-related disorders. Identifiers: MedGen CN239200.
Vitelliform macular dystrophy 2. Also called: Best Macular Dystrophy; Best Vitelliform Macular Dystrophy (BVMD); Best vitelliform macular dystrophy, multifocal; VITELLIFORM MACULAR DYSTROPHY, EARLY-ONSET; VITELLIFORM MACULAR DYSTROPHY, JUVENILE-ONSET; MACULAR DEGENERATION, POLYMORPHIC VITELLINE. Identifiers: Orphanet 1243, MedGen C2745945, MONDO:0007931, OMIM 153700.

Allele frequency attached by ClinVar (database versions not stated): ExAC below 0.00001; gnomAD exomes below 0.00001.
gnomAD v4.1: 2 of 1,548,674 alleles (0.00013%); highest among the groups gnomAD compares: Non-Finnish European, 0.000087%; no homozygotes.

Submissions (5):

Labcorp Genetics (formerly Invitae), Labcorp
Classification: Pathogenic. Last evaluated: 2025-06-09. Review status: criteria provided, single submitter. Criteria: Invitae Variant Classification Sherloc (09022015). Collection method: clinical testing. Allele origin: germline.
Comment: This sequence change replaces tryptophan, which is neutral and slightly polar, with cysteine, which is neutral and slightly polar, at codon 93 of the BEST1 protein (p.Trp93Cys). This variant is not present in population databases (gnomAD no frequency). This missense change has been observed in individual(s) with autosomal dominant Best vitelliform macular dystrophy (PMID: 9662395, 23617333). It has also been observed to segregate with disease in related individuals. This variant is also known as G383C. ClinVar contains an entry for this variant (Variation ID: 2727). Invitae Evidence Modeling of protein sequence and biophysical properties (such as structural, functional, and spatial information, amino acid conservation, physicochemical variation, residue mobility, and thermodynamic stability) indicates that this missense variant is expected to disrupt BEST1 protein function with a positive predictive value of 95%. Experimental studies have shown that this missense change affects BEST1 function (PMID: 12939260, 25878489). For these reasons, this variant has been classified as Pathogenic.

Clinical Genetics and Genomics, Karolinska University Hospital
Classification: Pathogenic for Vitelliform macular dystrophy 2. Last evaluated: 2025-02-13. Review status: criteria provided, single submitter. Criteria: ACMG Guidelines, 2015. Collection method: clinical testing. Allele origin: germline. Inheritance: Autosomal dominant inheritance. Affected: yes.

Blueprint Genetics
Classification: Pathogenic for BEST1-related disorders. Last evaluated: 2022-11-09. Review status: criteria provided, single submitter. Criteria: ACMG Guidelines, 2015. Collection method: clinical testing. Allele origin: germline. Affected: yes. Observed: 5 variant alleles.

OMIM
Classification: Pathogenic for MACULAR DYSTROPHY, VITELLIFORM, 2. Last evaluated: 1998-07-01. Review status: no assertion criteria provided. Collection method: literature only. Allele origin: germline. Not counted in ClinVar's aggregate classification.

Retina International
No classification provided. Review status: no classification provided. Collection method: not provided. Allele origin: not provided. Not counted in ClinVar's aggregate classification.

Literature cited by the submitters: PubMed 9662395 (cited by Labcorp Genetics (formerly Invitae), Labcorp and OMIM); PubMed 23617333 (cited by Labcorp Genetics (formerly Invitae), Labcorp); PubMed 12939260 (cited by Labcorp Genetics (formerly Invitae), Labcorp); PubMed 25878489 (cited by Labcorp Genetics (formerly Invitae), Labcorp); PubMed 838599 (cited by OMIM).

NM_004183.4(BEST1):c.279G>C (p.Trp93Cys)

Gene: BEST1 (bestrophin 1; plus strand). Cytogenetic location: 11q12.3.
Variant type: single nucleotide variant.
Coding change: c.279G>C on transcript NM_004183.4 (MANE Select); coding-DNA position 279, G replaced by C.
Protein change: p.Trp93Cys; replaces tryptophan 93 with cysteine.
Molecular consequence: missense variant. On other transcripts: non-coding transcript variant (1).
Genome position (GRCh38, 1-based): chr11:61,955,749, G>C. VCF-style: chr11-61955749-G-C. GRCh37 (hg19) VCF-style: chr11-61723221-G-C.
Other names: c.99G>C, p.Trp33Cys (NM_001139443.3, NM_001300786.2, NM_001300787.2); c.-40G>C (NM_001363591.3); c.279G>C, p.Trp93Cys (NM_001363592.2); c.-897G>C (NM_001363593.3); short protein forms W93C, W33C.
Identifiers: ClinVar variation 2727 (VCV000002727.8), dbSNP rs28940273, ClinGen allele CA227757.